The following is an entry in ClinVar:

NM_002691.4(POLD1):c.2284C>A (p.Arg762=)

Gene: POLD1 (DNA polymerase delta 1, catalytic subunit; plus strand). Cytogenetic location: 19q13.33.
Variant type: single nucleotide variant.
Coding change: c.2284C>A on transcript NM_002691.4 (MANE Select); coding-DNA position 2284, C replaced by A.
Protein change: p.Arg762=; no amino-acid change (arginine 762 retained).
Molecular consequence: synonymous variant. On other transcripts: non-coding transcript variant (1).
Genome position (GRCh38, 1-based): chr19:50,413,775, C>A. VCF-style: chr19-50413775-C-A. GRCh37 (hg19) VCF-style: chr19-50917032-C-A.
Other names: c.2284C>A, p.Arg762= (NM_001256849.1); c.2362C>A, p.Arg788= (NM_001308632.1).
Identifiers: ClinVar variation 486076 (VCV000486076.11), dbSNP rs769650989, ClinGen allele CA508305118.

ClinVar aggregate classification (germline): Conflicting classifications of pathogenicity. Review status: criteria provided, conflicting classifications (1 of 4 stars). 2 submissions from 2 submitters: Uncertain significance (1); Likely benign (1). Last evaluated 2025-10-27.

Conditions:
Hereditary cancer-predisposing syndrome. Also called: Tumor predisposition; Hereditary Cancer Syndrome; Hereditary neoplastic syndrome; Neoplastic Syndromes, Hereditary. Identifiers: Orphanet 140162, MedGen C0027672, MeSH D009386, MONDO:0015356.
POLD1-related polyposis and colorectal cancer syndrome (CRCS10). Also called: Colorectal cancer 10; COLORECTAL CANCER, SUSCEPTIBILITY TO, ON CHROMOSOME 19q; Colorectal cancer, susceptibility to, 10. Identifiers: Orphanet 220460, MedGen C2675481, MONDO:0012953, OMIM 612591.

Submissions (2):

Labcorp Genetics (formerly Invitae), Labcorp
Classification: Uncertain significance for POLD1-related polyposis and colorectal cancer syndrome. Last evaluated: 2025-10-27. Review status: criteria provided, single submitter. Criteria: Invitae Variant Classification Sherloc (09022015). Collection method: clinical testing. Allele origin: germline.
Comment: This sequence change affects codon 762 of the POLD1 mRNA. It is a 'silent' change, meaning that it does not change the encoded amino acid sequence of the POLD1 protein. This variant is not present in population databases (gnomAD no frequency). This variant has not been reported in the literature in individuals affected with POLD1-related conditions. ClinVar contains an entry for this variant (Variation ID: 486076). Algorithms developed to predict the effect of sequence changes on RNA splicing suggest that this variant may create or strengthen a splice site. In summary, the available evidence is currently insufficient to determine the role of this variant in disease. Therefore, it has been classified as a Variant of Uncertain Significance.

Ambry Genetics
Classification: Likely benign for Hereditary cancer-predisposing syndrome. Last evaluated: 2016-05-26. Review status: criteria provided, single submitter. Criteria: Ambry Variant Classification Scheme 2023. Collection method: clinical testing. Allele origin: germline.